The following is an entry in ClinVar:

ClinVar aggregate classification (germline): Pathogenic (1 of 4 stars; one submission).

Conditions:
Cardiovascular phenotype. Identifiers: MedGen CN230736.
Hereditary cancer-predisposing syndrome. Also called: Tumor predisposition; Hereditary Cancer Syndrome; Neoplastic Syndromes, Hereditary; Hereditary neoplastic syndrome. Identifiers: Orphanet 140162, MedGen C0027672, MeSH D009386, MONDO:0015356.

Submission:

Ambry Genetics
Classification: Pathogenic for Cardiovascular phenotype; Hereditary cancer-predisposing syndrome. Last evaluated: 2021-09-27. Review status: criteria provided, single submitter. Criteria: Ambry Variant Classification Scheme 2023. Collection method: clinical testing. Allele origin: germline.
Comment: The c.2829dupG pathogenic mutation, located in coding exon 21 of the NF1 gene, results from a duplication of G at nucleotide position 2829, causing a translational frameshift with a predicted alternate stop codon (p.F944Vfs*3). This alteration is expected to result in loss of function by premature protein truncation or nonsense-mediated mRNA decay. As such, this alteration is interpreted as a disease-causing mutation.

NM_001042492.3(NF1):c.2829dup (p.Phe944fs)

Gene: NF1 (neurofibromin 1; plus strand). Cytogenetic location: 17q11.2.
Variant type: Duplication.
Coding change: c.2829dup on transcript NM_001042492.3 (MANE Select); coding-DNA position 2829, one base duplicated (G; older notation c.2829dupG).
Protein change: p.Phe944fs; shifts the reading frame from phenylalanine 944.
Molecular consequence: frameshift variant.
Genome position (GRCh38, 1-based): chr17:31,229,444, G duplicated. VCF-style (leftmost placement, unchanged base first): chr17-31229443-A-AG. GRCh37 (hg19) VCF-style: chr17-29556461-A-AG.
Other names: c.2829dupG (NM_000267.3); c.2829dup, p.Phe944Valfs (NM_000267.4); short protein forms F944fs.
Identifiers: ClinVar variation 1796538 (VCV001796538.2), dbSNP rs2508189422, ClinGen allele CA2580093387.